The following is an entry in ClinVar:

ClinVar aggregate classification (germline): Pathogenic (1 of 4 stars; one submission).

Conditions:
ALG9 congenital disorder of glycosylation (CDG1L). Also called: CDG Il; ALG9-CDG; CONGENITAL DISORDER OF GLYCOSYLATION, TYPE Il. Identifiers: Orphanet 79328, MedGen C2931006, MONDO:0012117, OMIM 608776.

Submission:

Labcorp Genetics (formerly Invitae), Labcorp
Classification: Pathogenic for ALG9 congenital disorder of glycosylation. Last evaluated: 2025-04-22. Review status: criteria provided, single submitter. Criteria: Invitae Variant Classification Sherloc (09022015). Collection method: clinical testing. Allele origin: germline.
Comment: This sequence change creates a premature translational stop signal (p.Ile359*) in the ATP6V0A2 gene. It is expected to result in an absent or disrupted protein product. Loss-of-function variants in ATP6V0A2 are known to be pathogenic (PMID: 18157129, 19321599). This variant is not present in population databases (gnomAD no frequency). This variant has not been reported in the literature in individuals affected with ATP6V0A2-related conditions. For these reasons, this variant has been classified as Pathogenic.

Literature cited by the submitters: PubMed 18157129; PubMed 19321599.

NM_012463.4(ATP6V0A2):c.1075del (p.Asn358_Ile359insTer)

Gene: ATP6V0A2 (ATPase H+ transporting V0 subunit a2; plus strand). Cytogenetic location: 12q24.31.
Variant type: Deletion.
Coding change: c.1075del on transcript NM_012463.4 (MANE Select); coding-DNA position 1075, one base deleted (A; older notation c.1075delA).
Protein change: p.Asn358_Ile359insTer.
Molecular consequence: nonsense.
Genome position (GRCh38, 1-based): chr12:123,743,821, A deleted. VCF-style (leftmost placement, unchanged base first): chr12-123743820-TA-T. GRCh37 (hg19) VCF-style: chr12-124228367-TA-T.
Identifiers: ClinVar variation 4714104 (VCV004714104.1).